The following is an entry in ClinVar:

ClinVar aggregate classification (germline): Pathogenic. Review status: criteria provided, multiple submitters, no conflicts (2 of 4 stars). 2 submissions from 2 submitters: Pathogenic (2). Last evaluated 2024-05-14.

Conditions:
Autosomal dominant pseudohypoaldosteronism type 1. Also called: Pseudohypoaldosteronism, Type I, Dominant; Pseudohypoaldosteronism, Type I, Autosomal Dominant; PHA I, AUTOSOMAL DOMINANT. Identifiers: Orphanet 171871, Orphanet 756, MedGen C1449842, MONDO:0008329, OMIM 177735.

Submissions (2):

Labcorp Genetics (formerly Invitae), Labcorp
Classification: Pathogenic. Last evaluated: 2024-05-14. Review status: criteria provided, single submitter. Criteria: Invitae Variant Classification Sherloc (09022015). Collection method: clinical testing. Allele origin: germline.
Comment: This sequence change creates a premature translational stop signal (p.Arg861*) in the NR3C2 gene. It is expected to result in an absent or disrupted protein product. Loss-of-function variants in NR3C2 are known to be pathogenic (PMID: 9662404, 16611713, 16972228). This variant is not present in population databases (gnomAD no frequency). This premature translational stop signal has been observed in individual(s) with pseudohypoaldosteronism type 1 (PMID: 19344080). For these reasons, this variant has been classified as Pathogenic.

Juno Genomics, Hangzhou Juno Genomics, Inc
Classification: Pathogenic for Autosomal dominant pseudohypoaldosteronism type 1. Review status: criteria provided, single submitter. Criteria: ACMG Guidelines, 2015. Collection method: clinical testing. Allele origin: germline.
Comment: Absent from controls (or at extremely low frequency if recessive) in Genome Aggregation Database.;Null variant in a gene where loss of function (LOF) is a known mechanism of disease.;The prevalence of the variant in affected individuals is significantly increased compared to the prevalence in controls.;Patient's phenotype or family history is highly specific for a disease with a single genetic etiology.

Literature cited by the submitters: PubMed 9662404 (cited by Labcorp Genetics (formerly Invitae), Labcorp); PubMed 16611713 (cited by Labcorp Genetics (formerly Invitae), Labcorp); PubMed 16972228 (cited by Labcorp Genetics (formerly Invitae), Labcorp); PubMed 19344080 (cited by Labcorp Genetics (formerly Invitae), Labcorp).

NM_000901.5(NR3C2):c.2581C>T (p.Arg861Ter)

Gene: NR3C2 (nuclear receptor subfamily 3 group C member 2; minus strand). Cytogenetic location: 4q31.23.
Variant type: single nucleotide variant.
Coding change: c.2581C>T on transcript NM_000901.5 (MANE Select); coding-DNA position 2581, C replaced by T.
Protein change: p.Arg861Ter; replaces arginine 861 with a stop codon.
Molecular consequence: nonsense. On other transcripts: non-coding transcript variant (1).
Genome position (GRCh38, 1-based): chr4:148,120,218, G>A on the plus strand (C>T on the coding strand, the complement: NR3C2 is on the minus strand). VCF-style: chr4-148120218-G-A. GRCh37 (hg19) VCF-style: chr4-149041369-G-A.
Other names: c.2230C>T, p.Arg744Ter (NM_001166104.2, NM_001354819.1); short protein forms R744*, R861*.
Identifiers: ClinVar variation 3720593 (VCV003720593.4).